The following is an entry in ClinVar:

ClinVar aggregate classification (germline): Uncertain significance. Review status: criteria provided, multiple submitters, no conflicts (2 of 4 stars). 3 submissions from 3 submitters: Uncertain significance (2). 1 of the submissions does not count toward it. Last evaluated 2020-11-11.

Conditions:
Classic homocystinuria. Also called: Homocystinuria due to Cystathionine Beta-Synthase Deficiency; Homocystinuria due to CBS deficiency; Cystathionine beta-synthase deficiency; CBS deficiency; HOMOCYSTINURIA WITH OR WITHOUT RESPONSE TO PYRIDOXINE. Identifiers: Orphanet 394, MedGen C0751202, MONDO:0009352, OMIM 236200.
HYPERHOMOCYSTEINEMIA, THROMBOTIC, CBS-RELATED. Identifiers: MedGen C3150344, OMIM 236200.

Allele frequency attached by ClinVar (database versions not stated): gnomAD exomes below 0.00001 and 0.00001; ExAC 0.00001.
gnomAD v4.1: 7 of 1,349,502 alleles (0.00052%); highest among the groups gnomAD compares: Middle Eastern, 0.022%; no homozygotes.

Submissions (3):

Labcorp Genetics (formerly Invitae), Labcorp
Classification: Uncertain significance for HYPERHOMOCYSTEINEMIA, THROMBOTIC, CBS-RELATED. Last evaluated: 2020-11-11. Review status: criteria provided, single submitter. Criteria: Invitae Variant Classification Sherloc (09022015). Collection method: clinical testing. Allele origin: germline.
Comment: This sequence change affects codon 150 of the CBS mRNA. It is a 'silent' change, meaning that it does not change the encoded amino acid sequence of the CBS protein. This variant is present in population databases (rs750030593, ExAC 0.009%). This variant has not been reported in the literature in individuals with CBS-related conditions. ClinVar contains an entry for this variant (Variation ID: 618552). Algorithms developed to predict the effect of sequence changes on RNA splicing suggest that this variant may disrupt the consensus splice site, but this prediction has not been confirmed by published transcriptional studies. In summary, the available evidence is currently insufficient to determine the role of this variant in disease. Therefore, it has been classified as a Variant of Uncertain Significance.

ARUP Laboratories, Molecular Genetics and Genomics, ARUP Laboratories
Classification: Uncertain significance. Last evaluated: 2017-10-10. Review status: criteria provided, single submitter. Criteria: ARUP Molecular Germline Variant Investigation Process. Collection method: clinical testing. Allele origin: germline.

Natera, Inc.
Classification: Uncertain significance for Homocystinuria due to cystathionine beta-synthase deficiency. Last evaluated: 2020-10-06. Review status: no assertion criteria provided. Collection method: clinical testing. Allele origin: germline. Not counted in ClinVar's aggregate classification.

NM_000071.3(CBS):c.450C>T (p.Thr150=)

Gene: CBS (cystathionine beta-synthase; minus strand). Cytogenetic location: 21q22.3.
Variant type: single nucleotide variant.
Coding change: c.450C>T on transcript NM_000071.3 (MANE Select); coding-DNA position 450, C replaced by T.
Protein change: p.Thr150=; no amino-acid change (threonine 150 retained).
Molecular consequence: synonymous variant.
Genome position (GRCh38, 1-based): chr21:43,066,244, G>A on the plus strand (C>T on the coding strand, the complement: CBS is on the minus strand). VCF-style: chr21-43066244-G-A. GRCh37 (hg19) VCF-style: chr21-44486354-G-A.
Other names: c.450C>T, p.Thr150= (NM_001178008.3, NM_001178009.3, NM_001320298.2); c.135C>T, p.Thr45= (NM_001321072.1).
Identifiers: ClinVar variation 618552 (VCV000618552.15), dbSNP rs750030593, ClinGen allele CA321097424.
Genomic context (GRCh38, chr21:43,066,244, plus strand): 5'-GGCTCGGCATGGGTAGGGGACAGCCAGCCCTGGCCACCCCCTCTGGGCCTGGCACCCACC[G>A]GTGTTCCCGGATGTCGGCTCGATAATCGTGTCCCCGGGCTTCAGCGTCCCGTCGCGCTCA-3'
Protein context (NP_000062.1, residues 140-160): DTIIEPTSGN[Thr150=]GIGLALAAAV